The following is an entry in ClinVar:

NM_000144.5(FXN):c.118C>T (p.Arg40Cys)

Genes: FXN (frataxin; plus strand), LOC130001862 (ATAC-STARR-seq lymphoblastoid silent region 19931; plus strand). Cytogenetic location: 9q21.11.
Variant type: single nucleotide variant.
Coding change: c.118C>T on transcript NM_000144.5 (MANE Select); coding-DNA position 118, C replaced by T.
Protein change: p.Arg40Cys; replaces arginine 40 with cysteine.
Molecular consequence: missense variant.
Genome position (GRCh38, 1-based): chr9:69,035,900, C>T. VCF-style: chr9-69035900-C-T. GRCh37 (hg19) VCF-style: chr9-71650816-C-T.
Other names: p.Arg40Cys; c.118C>T, p.Arg40Cys (NM_181425.3); short protein forms R40C.
Identifiers: ClinVar variation 264451 (VCV000264451.23), dbSNP rs145854903, ClinGen allele CA10587675.
Genomic context (GRCh38, chr9:69,035,900, plus strand): 5'-CAGGCCCAGACCCTCACCCGGGTCCCGCGGCCGGCAGAGTTGGCCCCACTCTGCGGCCGC[C>T]GTGGCCTGCGCACCGACATCGATGCGACCTGCACGCCCCGCCGCGCAGTAAGTATCCGCG-3'
Protein context (NP_000135.2, residues 30-50): PAELAPLCGR[Arg40Cys]GLRTDIDATC

ClinVar aggregate classification (germline): Conflicting classifications of pathogenicity. Review status: criteria provided, conflicting classifications (1 of 4 stars). 9 submissions from 9 submitters: Uncertain significance (8); Likely benign (1). Last evaluated 2026-03-10.

Conditions:
Inborn genetic diseases. Identifiers: MedGen C0950123, MeSH D030342.
Friedreich ataxia 1 (FRDA1). Identifiers: Orphanet 95, MedGen C1856689, MONDO:0100340, OMIM 229300.
Hypertrophic cardiomyopathy. Also called: HYPERTROPHIC MYOCARDIOPATHY. Identifiers: Orphanet 217569, MedGen C0007194, MeSH D002312, MONDO:0005045, HP:0001639.

Allele frequency attached by ClinVar (database versions not stated): gnomAD exomes 0.00030 and 0.00070; gnomAD 0.00040 and 0.00041; TOPMed 0.00043.
gnomAD v4.1: 985 of 1,487,292 alleles (0.066%); highest among the groups gnomAD compares: Non-Finnish European, 0.084%; 1 homozygote.

Submissions (9):

GeneDx
Classification: Uncertain significance. Last evaluated: 2026-03-10. Review status: criteria provided, single submitter. Criteria: GeneDx Variant Classification Process June 2021. Collection method: clinical testing. Allele origin: germline.
Comment: Reported in the heterozygous state in an individual with hypertrophic cardiomyopathy, however the individual also harbored a variant in MYBPC3 (PMID: 15936968); In silico analysis supports that this missense variant does not alter protein structure/function; This variant is associated with the following publications: (PMID: 15936968, 40376404, 38891993)

Women's Health and Genetics/Laboratory Corporation of America, LabCorp
Classification: Uncertain significance. Last evaluated: 2025-12-29. Review status: criteria provided, single submitter. Criteria: LabCorp Variant Classification Summary - May 2015. Collection method: clinical testing. Allele origin: germline.
Comment: Variant summary: FXN c.118C>T (p.Arg40Cys) results in a non-conservative amino acid change in the encoded protein sequence. Algorithms developed to predict the effect of missense changes on protein structure and function all suggest that this variant is likely to be disruptive. The variant allele was found at a frequency of 0.0003 in 90414 control chromosomes. This frequency is not significantly higher than estimated for disease-causing variants in FXN, allowing no conclusion about variant significance. c.118C>T has been reported in the heterozygous state in an individual affected with hypertrophic cardiomyopathy (Van Driest_2005). However, this individual was also found carrying MYBPC3 c.2429G>A (p.Arg810His), which may have contributed to the patient's phenotype. This report does not provide unequivocal conclusions about association of the variant with Friedreich Ataxia. Van Driest_2005 also provided experimental evidence demonstrating that the variant prevented the cleavage of the inactive-precursor form of frataxin to the active-mature form. However, when the investigators examined protein levels in patient fibroblasts, the levels of mature frataxin were similar to those seen in controls, not allowing for convincing conclusions about the variant effect. The following publications have been ascertained in the context of this evaluation (PMID: 15936968, 28082330, 17703324, 26704351, 20156111, 38891993, 40376404, 33004675, 30021846). ClinVar contains an entry for this variant (Variation ID: 264451). Based on the evidence outlined above, the variant was classified as uncertain significance.

Mayo Clinic Laboratories, Mayo Clinic
Classification: Uncertain significance. Last evaluated: 2025-10-24. Review status: criteria provided, single submitter. Criteria: ACMG Guidelines, 2015. Collection method: clinical testing. Allele origin: germline. Observed: 6 variant alleles.

Blueprint Genetics
Classification: Uncertain significance. Last evaluated: 2024-10-02. Review status: criteria provided, single submitter. Criteria: ACMG Guidelines, 2015. Collection method: clinical testing. Allele origin: germline.

ARUP Laboratories, Molecular Genetics and Genomics, ARUP Laboratories
Classification: Uncertain significance. Last evaluated: 2024-08-22. Review status: criteria provided, single submitter. Criteria: ARUP Molecular Germline Variant Investigation Process 2024. Collection method: clinical testing. Allele origin: germline.
Comment: The FXN c.118C>T; p.Arg40Cys variant (rs145854903, ClinVar Variation ID 264451) is reported along with a likely pathogenic MYBPC3 variant in an individual with hypertrophic cardiomyopathy (Van Driest 2005). This variant is found predominantly in the non-Finnish European population with an allele frequency of 0.07% (36/48340 alleles) in the Genome Aggregation Database (v2.1.1). In vitro functional analysis of the variant protein showed defective cleavage leading to poor protein maturation; however, both FXN mRNA and protein levels were unaffected in patient’s cultured fibroblasts (Van Driest 2005). Additionally, expression of FXN mutant protein in yeast devoid of endogenous FXN were phenotypically indistinguishable. Computational analyses are uncertain whether this variant is neutral or deleterious (REVEL: 0.597). Due to conflicting information, the clinical significance of this variant is uncertain at this time. References: Van Driest SL et al. Molecular and functional characterization of a human frataxin mutation found in hypertrophic cardiomyopathy. Mol Genet Metab. 2005 Aug. PMID: 15936968.

Athena Diagnostics
Classification: Likely benign. Last evaluated: 2024-07-24. Review status: criteria provided, single submitter. Criteria: Athena Diagnostics Criteria. Collection method: clinical testing. Allele origin: unknown.

Department of Pathology and Laboratory Medicine, Sinai Health System
Classification: Uncertain significance for Friedreich ataxia 1. Last evaluated: 2021-12-01. Review status: criteria provided, single submitter. Criteria: ACMG Guidelines, 2015. Collection method: research. Allele origin: germline.

Center for Advanced Laboratory Medicine, UC San Diego Health, University of California San Diego
Classification: Uncertain significance for Hypertrophic cardiomyopathy. Last evaluated: 2018-04-18. Review status: criteria provided, single submitter. Criteria: ACMG Guidelines, 2015. Collection method: clinical testing. Allele origin: germline. Affected: yes. Observed: 1 variant allele.

Ambry Genetics
Classification: Uncertain significance for Inborn genetic diseases. Last evaluated: 2017-01-23. Review status: criteria provided, single submitter. Criteria: Ambry Variant Classification Scheme 2023. Collection method: clinical testing. Allele origin: germline.
Comment: The p.R40C variant (also known as c.118C>T), located in coding exon 1 of the FXN gene, results from a C to T substitution at nucleotide position 118. The arginine at codon 40 is replaced by cysteine, an amino acid with highly dissimilar properties. The same group performed in vitro studies of the p.R40C variant and showed it was more sensitive to oxidative stress under metabolically demanding conditions; however, a skin biopsy from the patient mentioned above showed normal levels of frataxin mRNA and protein (Van Driest SL, Mol. Genet. Metab. 2005 Aug; 85(4):280-5). This amino acid position is well conserved on limited sequence alignment. In addition, this alteration is predicted to be deleterious by in silico analysis. Since supporting evidence is limited at this time, the clinical significance of this alteration remains unclear.

Literature cited by the submitters: PubMed 28082330 (cited by 3 submitters); PubMed 30021846 (cited by Women's Health and Genetics/Laboratory Corporation of America, LabCorp); PubMed 15936968 (cited by 4 submitters); PubMed 26704351 (cited by 3 submitters); PubMed 38891993 (cited by Women's Health and Genetics/Laboratory Corporation of America, LabCorp and Athena Diagnostics); PubMed 40376404 (cited by Women's Health and Genetics/Laboratory Corporation of America, LabCorp); PubMed 20156111 (cited by Women's Health and Genetics/Laboratory Corporation of America, LabCorp and Mayo Clinic Laboratories, Mayo Clinic); PubMed 17703324 (cited by Women's Health and Genetics/Laboratory Corporation of America, LabCorp and Mayo Clinic Laboratories, Mayo Clinic); PubMed 33004675 (cited by Women's Health and Genetics/Laboratory Corporation of America, LabCorp); PubMed 31993871 (cited by Athena Diagnostics).